The following is an entry in ClinVar:

ClinVar aggregate classification (germline): Benign. Review status: criteria provided, multiple submitters, no conflicts (2 of 4 stars). 2 submissions from 2 submitters: Benign (2). Last evaluated 2016-03-28.

Allele frequency attached by ClinVar (database versions not stated): 1000 Genomes Project 0.06669; 1000 Genomes Project 30x 0.06824; gnomAD 0.09798 and 0.09887; TOPMed 0.09842; ExAC 0.10584; ESP Exome Variant Server 0.10587; gnomAD exomes 0.10640 and 0.11532.
gnomAD v4.1: 183,493 of 1,613,708 alleles (11%); highest among the groups gnomAD compares: Middle Eastern, 19%; 11,631 homozygotes.

Submissions (2):

Laboratory for Molecular Medicine, Mass General Brigham Personalized Medicine
Classification: Benign. Last evaluated: 2016-03-28. Review status: criteria provided, single submitter. Criteria: LMM Criteria. Collection method: clinical testing. Allele origin: germline.
Comment: Variant identified in a genome or exome case(s) and assessed due to predicted null impact of the variant or pathogenic assertions in the literature or databases. Disclaimer: This variant has not undergone full assessment. The following are preliminary notes: Frequency

Breakthrough Genomics
Classification: Benign. Review status: criteria provided, single submitter. Criteria: ACMG Guidelines, 2015. Collection method: not provided. Allele origin: germline. Inheritance: Autosomal recessive inheritance. Affected: yes.

NM_001136219.3(FCGR2A):c.365-11G>A

Gene: FCGR2A (Fc gamma receptor IIa; plus strand). Cytogenetic location: 1q23.3.
Variant type: single nucleotide variant.
Coding change: c.365-11G>A on transcript NM_001136219.3 (MANE Select); 11 bases into the intron before coding-DNA position 365, G replaced by A.
Molecular consequence: intron variant.
Genome position (GRCh38, 1-based): chr1:161,509,809, G>A. VCF-style: chr1-161509809-G-A. GRCh37 (hg19) VCF-style: chr1-161479599-G-A.
Other names: c.365-11G>A (NM_001375296.1); c.362-11G>A (NM_021642.5, NM_001375297.1).
Identifiers: ClinVar variation 402853 (VCV000402853.5), dbSNP rs7529425, ClinGen allele CA1210629.
Genomic context (GRCh38, chr1:161,509,809, plus strand): 5'-GTACCTCTGAGACTGAAAAACCCTTGGAATCTATCCTTACAACTTTTTCTTATCATATTT[G>A]TGTCTTTCAGAATGGCTGGTGCTCCAGACCCCTCACCTGGAGTTCCAGGAGGGAGAAACC-3'